The following is an entry in ClinVar:

ClinVar aggregate classification (germline): Conflicting classifications of pathogenicity. Review status: criteria provided, conflicting classifications (1 of 4 stars). 3 submissions from 3 submitters: Uncertain significance (1); Likely benign (2). Last evaluated 2025-11-22.

Conditions:
Fanconi anemia (FA). Also called: Fanconi's anemia. Identifiers: Orphanet 84, MedGen C0015625, MeSH D005199, MONDO:0019391.
Inborn genetic diseases. Identifiers: MedGen C0950123, MeSH D030342.

Allele frequency attached by ClinVar (database versions not stated): gnomAD 0.00001; TOPMed 0.00001.
gnomAD v4.1: 20 of 1,594,396 alleles (0.0013%); highest among the groups gnomAD compares: Non-Finnish European, 0.0016%; no homozygotes.

Submissions (3):

Labcorp Genetics (formerly Invitae), Labcorp
Classification: Likely benign for Fanconi anemia. Last evaluated: 2025-11-22. Review status: criteria provided, single submitter. Criteria: Invitae Variant Classification Sherloc (09022015). Collection method: clinical testing. Allele origin: germline.

Quest Diagnostics Nichols Institute San Juan Capistrano
Classification: Uncertain significance. Last evaluated: 2024-12-30. Review status: criteria provided, single submitter. Criteria: Quest Diagnostics criteria. Collection method: clinical testing. Allele origin: unknown.
Comment: The FANCM c.4525A>C (p.Arg1509=) synonymous variant has not been reported in individuals with FANCM-related conditions in the published literature. The frequency of this variant in the general population (Genome Aggregation Database) is uninformative in the assessment of its pathogenicity. Analysis of this variant using software algorithms for the prediction of the effect of nucleotide changes on splicing yielded predictions that this variant does not affect FANCM mRNA splicing. Based on the available information, we are unable to determine the clinical significance of this variant.

Ambry Genetics
Classification: Likely benign for Inborn genetic diseases. Last evaluated: 2024-11-17. Review status: criteria provided, single submitter. Criteria: Ambry Variant Classification Scheme 2023. Collection method: clinical testing. Allele origin: germline.

NM_020937.4(FANCM):c.4525A>C (p.Arg1509=)

Gene: FANCM (FA complementation group M; plus strand). Cytogenetic location: 14q21.2.
Variant type: single nucleotide variant.
Coding change: c.4525A>C on transcript NM_020937.4 (MANE Select); coding-DNA position 4525, A replaced by C.
Protein change: p.Arg1509=; no amino-acid change (arginine 1509 retained).
Molecular consequence: synonymous variant.
Genome position (GRCh38, 1-based): chr14:45,185,226, A>C. VCF-style: chr14-45185226-A-C. GRCh37 (hg19) VCF-style: chr14-45654429-A-C.
Other names: c.4525A>C (NM_020937.3); c.4447A>C, p.Arg1483= (NM_001308133.2).
Identifiers: ClinVar variation 2159440 (VCV002159440.6), dbSNP rs1260789761, ClinGen allele CA486141339.
Genomic context (GRCh38, chr14:45,185,226, plus strand): 5'-AAAATTATTTTCTCACTGATATCTTCATGTTTTCTAATTTGTCTTACTTAGCATGTAGCT[A>C]GGAAGTTTTTAGATGATGAAGCAGAACTTTCTGAAGAAGATGCAGAATATGTTTCATCAG-3'
Protein context (NP_065988.1, residues 1499-1519): KRQSHLKHVA[Arg1509=]KFLDDEAELS